The following is an entry in ClinVar:

NM_000352.6(ABCC8):c.2004del (p.Ser669fs)

Gene: ABCC8 (ATP binding cassette subfamily C member 8; minus strand). Cytogenetic location: 11p15.1.
Variant type: Deletion.
Coding change: c.2004del on transcript NM_000352.6 (MANE Select); coding-DNA position 2004, one base deleted (C; older notation c.2004delC).
Protein change: p.Ser669fs; shifts the reading frame from serine 669.
Molecular consequence: frameshift variant. On other transcripts: non-coding transcript variant (1).
Genome position (GRCh38, 1-based): chr11:17,428,325, G deleted on the plus strand (C on the coding strand, the reverse complement: ABCC8 is on the minus strand); the first of 4 consecutive G bases (chr11:17,428,325-17,428,328); deleting any one gives the same sequence. VCF-style (leftmost placement, unchanged base first): chr11-17428324-TG-T. GRCh37 (hg19) VCF-style: chr11-17449871-TG-T.
Other names: c.2004del, p.Ser669fs (NM_001287174.3); c.2070del, p.Ser691fs (NM_001351295.2); c.2001del, p.Ser668fs (NM_001351296.2, NM_001351297.2); short protein forms S668fs, S669fs, S691fs.
Identifiers: ClinVar variation 2855342 (VCV002855342.4), dbSNP rs2496667722, ClinGen allele CA2739276252.

ClinVar aggregate classification (germline): Pathogenic/Likely pathogenic. Review status: criteria provided, multiple submitters, no conflicts (2 of 4 stars). 2 submissions from 2 submitters: Pathogenic (1); Likely pathogenic (1). Last evaluated 2024-04-24.

Conditions:
Leucine-induced hypoglycemia (LIH). Also called: LEUCINE-SENSITIVE HYPOGLYCEMIA OF INFANCY. Identifiers: MedGen C0271714, MONDO:0009415, OMIM 240800.
Hyperinsulinemic hypoglycemia, familial, 1 (HHF1). Also called: Persistent hyperinsulinemic hypoglycemia of infancy; HYPERINSULINISM, FAMILIAL, WITH PANCREATIC NESIDIOBLASTOSIS; HYPOGLYCEMIA, HYPERINSULINEMIC, OF INFANCY; NESIDIOBLASTOSIS OF PANCREAS; Persistent Hyperinsulinemia Hypoglycemia of Infancy. Identifiers: Orphanet 276575, Orphanet 276598, MedGen C2931832, MONDO:0009734, OMIM 256450.
Diabetes mellitus, permanent neonatal 3. Also called: ABCC8-Related Permanent Neonatal Diabetes Mellitus. Identifiers: MedGen C5394303, MONDO:0030088, OMIM 618857.
Diabetes mellitus, transient neonatal, 2 (TNDM2). Identifiers: Orphanet 99886, MedGen C1835887, MONDO:0012480, OMIM 610374. Disease mechanism: loss of function.
Type 2 diabetes mellitus. Also called: Type II diabetes mellitus. Identifiers: MedGen C0011860, MeSH D003924, MONDO:0005148, OMIM 125853, HP:0005978.

Submissions (2):

Fulgent Genetics
Classification: Likely pathogenic for Type 2 diabetes mellitus; Leucine-induced hypoglycemia; Hyperinsulinemic hypoglycemia, familial, 1; Diabetes mellitus, transient neonatal, 2; Diabetes mellitus, permanent neonatal 3. Last evaluated: 2024-04-24. Review status: criteria provided, single submitter. Criteria: ACMG Guidelines, 2015. Collection method: clinical testing. Allele origin: germline.

Labcorp Genetics (formerly Invitae), Labcorp
Classification: Pathogenic. Last evaluated: 2023-04-12. Review status: criteria provided, single submitter. Criteria: Invitae Variant Classification Sherloc (09022015). Collection method: clinical testing. Allele origin: germline.
Comment: For these reasons, this variant has been classified as Pathogenic. This variant has not been reported in the literature in individuals affected with ABCC8-related conditions. This variant is not present in population databases (gnomAD no frequency). This sequence change creates a premature translational stop signal (p.Ser669Valfs*40) in the ABCC8 gene. It is expected to result in an absent or disrupted protein product. Loss-of-function variants in ABCC8 are known to be pathogenic (PMID: 20685672, 23345197).

Literature cited by the submitters: PubMed 20685672 (cited by Labcorp Genetics (formerly Invitae), Labcorp); PubMed 23345197 (cited by Labcorp Genetics (formerly Invitae), Labcorp).